The following is an entry in ClinVar:

NM_003482.4(KMT2D):c.7867G>C (p.Gly2623Arg)

Gene: KMT2D (lysine methyltransferase 2D; minus strand). Cytogenetic location: 12q13.12.
Variant type: single nucleotide variant.
Coding change: c.7867G>C on transcript NM_003482.4 (MANE Select); coding-DNA position 7867, G replaced by C.
Protein change: p.Gly2623Arg; replaces glycine 2623 with arginine.
Molecular consequence: missense variant.
Genome position (GRCh38, 1-based): chr12:49,039,903, C>G on the plus strand (G>C on the coding strand, the complement: KMT2D is on the minus strand). VCF-style: chr12-49039903-C-G. GRCh37 (hg19) VCF-style: chr12-49433686-C-G.
Other names: short protein forms G2623R.
Identifiers: ClinVar variation 3384384 (VCV003384384.1).

ClinVar aggregate classification (germline): Uncertain significance (1 of 4 stars; one submission).

Submission:

GeneDx
Classification: Uncertain significance. Last evaluated: 2024-06-06. Review status: criteria provided, single submitter. Criteria: GeneDx Variant Classification Process June 2021. Collection method: clinical testing. Allele origin: germline. Affected: yes.
Comment: Not observed at significant frequency in large population cohorts (gnomAD); In silico analysis indicates that this missense variant does not alter protein structure/function; Has not been previously published as pathogenic or benign to our knowledge